The following is an entry in ClinVar:

NM_032043.3(BRIP1):c.294T>G (p.Asn98Lys)

Gene: BRIP1 (BRCA1 interacting DNA helicase 1; minus strand). Cytogenetic location: 17q23.2.
Variant type: single nucleotide variant.
Coding change: c.294T>G on transcript NM_032043.3 (MANE Select); coding-DNA position 294, T replaced by G.
Protein change: p.Asn98Lys; replaces asparagine 98 with lysine.
Molecular consequence: missense variant.
Genome position (GRCh38, 1-based): chr17:61,857,143, A>C on the plus strand (T>G on the coding strand, the complement: BRIP1 is on the minus strand). VCF-style: chr17-61857143-A-C. GRCh37 (hg19) VCF-style: chr17-59934504-A-C.
Other names: short protein forms N98K.
Identifiers: ClinVar variation 582924 (VCV000582924.9), dbSNP rs1555617859, ClinGen allele CA400485433.

ClinVar aggregate classification (germline): Uncertain significance (1 of 4 stars; one submission).

Conditions:
Familial cancer of breast. Also called: hereditary breast carcinoma; BREAST CANCER, FAMILIAL; Hereditary breast cancer. Identifiers: Orphanet 227535, MedGen C0346153, MONDO:0016419, OMIM 114480. Disease mechanism: loss of function.
Fanconi anemia complementation group J. Also called: BRIP1-Related Fanconi Anemia. Identifiers: Orphanet 84, MedGen C1836860, MONDO:0012187, OMIM 609054.

Submission:

Labcorp Genetics (formerly Invitae), Labcorp
Classification: Uncertain significance for Familial cancer of breast; Fanconi anemia complementation group J. Last evaluated: 2018-04-17. Review status: criteria provided, single submitter. Criteria: Invitae Variant Classification Sherloc (09022015). Collection method: clinical testing. Allele origin: germline.
Comment: This sequence change replaces asparagine with lysine at codon 98 of the BRIP1 protein (p.Asn98Lys). The asparagine residue is weakly conserved and there is a moderate physicochemical difference between asparagine and lysine. This variant is not present in population databases (ExAC no frequency). This variant has not been reported in the literature in individuals with BRIP1-related disease. Algorithms developed to predict the effect of missense changes on protein structure and function (SIFT, PolyPhen-2, Align-GVGD) all suggest that this variant is likely to be tolerated, but these predictions have not been confirmed by published functional studies and their clinical significance is uncertain. In summary, the available evidence is currently insufficient to determine the role of this variant in disease. Therefore, it has been classified as a Variant of Uncertain Significance.